The following is an entry in ClinVar:

NM_001127222.2(CACNA1A):c.1881C>T (p.Phe627=)

Gene: CACNA1A (calcium voltage-gated channel subunit alpha1 A; minus strand). Cytogenetic location: 19p13.13.
Variant type: single nucleotide variant.
Coding change: c.1881C>T on transcript NM_001127222.2 (MANE Select); coding-DNA position 1881, C replaced by T.
Protein change: p.Phe627=; no amino-acid change (phenylalanine 627 retained).
Molecular consequence: synonymous variant.
Genome position (GRCh38, 1-based): chr19:13,308,152, G>A on the plus strand (C>T on the coding strand, the complement: CACNA1A is on the minus strand). VCF-style: chr19-13308152-G-A. GRCh37 (hg19) VCF-style: chr19-13418966-G-A.
Other names: c.1884C>T, p.Phe628= (NM_000068.4, NM_001127221.2, NM_001174080.2 and 1 more transcripts); c.1884C>T (NM_001127221.1).
Identifiers: ClinVar variation 1132442 (VCV001132442.15), dbSNP rs371268760, ClinGen allele CA9240708.

ClinVar aggregate classification (germline): Likely benign. Review status: criteria provided, multiple submitters, no conflicts (2 of 4 stars). 4 submissions from 4 submitters: Likely benign (4). Last evaluated 2026-05-27.

Conditions:
Inborn genetic diseases. Identifiers: MedGen C0950123, MeSH D030342.
Developmental and epileptic encephalopathy, 42 (DEE42A). Also called: Epileptic encephalopathy, early infantile, 42; DEVELOPMENTAL AND EPILEPTIC ENCEPHALOPATHY 42A; EPILEPTIC ENCEPHALOPATHY, EARLY INFANTILE, 42A. Identifiers: MedGen C4310716, MONDO:0014917, OMIM 617106.
Episodic ataxia type 2 (EA2). Also called: ATAXIA, EPISODIC, WITH NYSTAGMUS; ATAXIA, FAMILIAL PAROXYSMAL; CEREBELLAR ATAXIA, PAROXYSMAL, ACETAZOLAMIDE-RESPONSIVE; CEREBELLOPATHY, HEREDITARY PAROXYSMAL; EPISODIC ATAXIA, NYSTAGMUS-ASSOCIATED; ACETAZOLAMIDE-RESPONSIVE HEREDITARY PAROXYSMAL CEREBELLAR ATAXIA. Identifiers: Orphanet 97, MedGen C1720416, MONDO:0007163, OMIM 108500.

Allele frequency attached by ClinVar (database versions not stated): ExAC 0.00002; gnomAD 0.00002 and 0.00003; gnomAD exomes 0.00002 and 0.00006; TOPMed 0.00004; ESP Exome Variant Server 0.00016.
gnomAD v4.1: 96 of 1,613,886 alleles (0.0059%); highest among the groups gnomAD compares: Non-Finnish European, 0.0072%; no homozygotes.

Submissions (4):

Ambry Genetics
Classification: Likely benign for Inborn genetic diseases. Last evaluated: 2026-05-27. Review status: criteria provided, single submitter. Criteria: Ambry Variant Classification Scheme 2023. Collection method: clinical testing. Allele origin: germline.

CeGaT Center for Human Genetics Tuebingen
Classification: Likely benign. Last evaluated: 2026-03-01. Review status: criteria provided, single submitter. Criteria: CeGaT Center For Human Genetics Tuebingen Variant Classification Criteria Version 2. Collection method: clinical testing. Allele origin: germline. Affected: yes. Observed: 1 variant allele.
Comment: CACNA1A: BP4, BP7

Women's Health and Genetics/Laboratory Corporation of America, LabCorp
Classification: Likely benign. Last evaluated: 2025-05-13. Review status: criteria provided, single submitter. Criteria: LabCorp Variant Classification Summary - May 2015. Collection method: clinical testing. Allele origin: germline.

Labcorp Genetics (formerly Invitae), Labcorp
Classification: Likely benign for Developmental and epileptic encephalopathy, 42; Episodic ataxia type 2. Last evaluated: 2024-07-23. Review status: criteria provided, single submitter. Criteria: Invitae Variant Classification Sherloc (09022015). Collection method: clinical testing. Allele origin: germline.